The following is an entry in ClinVar:

ClinVar aggregate classification (germline): Uncertain significance (1 of 4 stars; one submission).

Conditions:
Inborn genetic diseases. Identifiers: MedGen C0950123, MeSH D030342.

Submission:

Ambry Genetics
Classification: Uncertain significance for Inborn genetic diseases. Last evaluated: 2025-05-16. Review status: criteria provided, single submitter. Criteria: Ambry Variant Classification Scheme 2023. Collection method: clinical testing. Allele origin: germline.
Comment: The p.E1947G variant (also known as c.5840A>G), located in coding exon 22 of the FANCM gene, results from an A to G substitution at nucleotide position 5840. The glutamic acid at codon 1947 is replaced by glycine, an amino acid with similar properties. This amino acid position is conserved. In addition, the in silico prediction for this alteration is inconclusive. Based on the available evidence, the clinical significance of this variant remains unclear.

NM_020937.4(FANCM):c.5840A>G (p.Glu1947Gly)

Gene: FANCM (FA complementation group M; plus strand). Cytogenetic location: 14q21.2.
Variant type: single nucleotide variant.
Coding change: c.5840A>G on transcript NM_020937.4 (MANE Select); coding-DNA position 5840, A replaced by G.
Protein change: p.Glu1947Gly; replaces glutamic acid 1947 with glycine.
Molecular consequence: missense variant.
Genome position (GRCh38, 1-based): chr14:45,198,767, A>G. VCF-style: chr14-45198767-A-G. GRCh37 (hg19) VCF-style: chr14-45667970-A-G.
Other names: c.5762A>G, p.Glu1921Gly (NM_001308133.2); short protein forms E1921G, E1947G.
Identifiers: ClinVar variation 4022786 (VCV004022786.1).